The following is an entry in ClinVar:

ClinVar aggregate classification (germline): Likely benign. Review status: criteria provided, multiple submitters, no conflicts (2 of 4 stars). 2 submissions from 2 submitters: Likely benign (2). Last evaluated 2025-10-13.

Conditions:
Shprintzen-Goldberg syndrome (SGS). Also called: CRANIOSYNOSTOSIS WITH ARACHNODACTYLY AND ABDOMINAL HERNIAS; Marfanoid disorder with craniosynostosis type 1; Marfanoid craniosynostosis syndrome; Shprintzen-Goldberg marfanoid syndrome; SHPRINTZEN-GOLDBERG CRANIOSYNOSTOSIS SYNDROME. Identifiers: Orphanet 2462, MedGen C1321551, MONDO:0008426, OMIM 182212.

Allele frequency attached by ClinVar (database versions not stated): gnomAD exomes 0.00001 and below 0.00001; ExAC 0.00006.
gnomAD v4.1: 4 of 1,584,690 alleles (0.00025%); highest among the groups gnomAD compares: East Asian, 0.0046%; no homozygotes.

Submissions (2):

Labcorp Genetics (formerly Invitae), Labcorp
Classification: Likely benign for Shprintzen-Goldberg syndrome. Last evaluated: 2025-10-13. Review status: criteria provided, single submitter. Criteria: Invitae Variant Classification Sherloc (09022015). Collection method: clinical testing. Allele origin: germline.

GeneDx
Classification: Likely benign. Last evaluated: 2017-07-05. Review status: criteria provided, single submitter. Criteria: GeneDx Variant Classification (06012015). Collection method: clinical testing. Allele origin: germline. Affected: yes.
Comment: This variant is considered likely benign or benign based on one or more of the following criteria: it is a conservative change, it occurs at a poorly conserved position in the protein, it is predicted to be benign by multiple in silico algorithms, and/or has population frequency not consistent with disease.

NM_003036.4(SKI):c.1938G>A (p.Gln646=)

Gene: SKI (SKI proto-oncogene; plus strand). Cytogenetic location: 1p36.32.
Variant type: single nucleotide variant.
Coding change: c.1938G>A on transcript NM_003036.4 (MANE Select); coding-DNA position 1938, G replaced by A.
Protein change: p.Gln646=; no amino-acid change (glutamine 646 retained).
Molecular consequence: synonymous variant.
Genome position (GRCh38, 1-based): chr1:2,306,190, G>A. VCF-style: chr1-2306190-G-A. GRCh37 (hg19) VCF-style: chr1-2237629-G-A.
Identifiers: ClinVar variation 510514 (VCV000510514.2), dbSNP rs757701064, ClinGen allele CA536835.